The following is an entry in ClinVar:

ClinVar aggregate classification (germline): Uncertain significance. Review status: criteria provided, multiple submitters, no conflicts (2 of 4 stars). 2 submissions from 2 submitters: Uncertain significance (2). Last evaluated 2024-12-17.

Allele frequency attached by ClinVar (database versions not stated): gnomAD exomes 0.00001; ExAC 0.00007; TOPMed 0.00018.
gnomAD v4.1: 45 of 1,613,848 alleles (0.0028%); highest among the groups gnomAD compares: African/African-American, 0.057%; no homozygotes.

Submissions (2):

Women's Health and Genetics/Laboratory Corporation of America, LabCorp
Classification: Uncertain significance. Last evaluated: 2024-12-17. Review status: criteria provided, single submitter. Criteria: LabCorp Variant Classification Summary - May 2015. Collection method: clinical testing. Allele origin: germline.
Comment: Variant summary: PLAU c.260T>C (p.Met87Thr) results in a non-conservative amino acid change located in the EGF-like domain (IPR000742) of the encoded protein sequence. Four of five in-silico tools predict a benign effect of the variant on protein function. The variant allele was found at a frequency of 4.8e-05 in 251384 control chromosomes. This frequency is not significantly higher than estimated for a pathogenic variant in PLAU causing Quebec Platelet Disorder, allowing no conclusion about variant significance. To our knowledge, no occurrence of c.260T>C in individuals affected with Quebec Platelet Disorder and no experimental evidence demonstrating its impact on protein function have been reported. ClinVar contains an entry for this variant (Variation ID: 2255298). Based on the evidence outlined above, the variant was classified as VUS-possibly benign.

Ambry Genetics
Classification: Uncertain significance. Last evaluated: 2021-10-12. Review status: criteria provided, single submitter. Criteria: Ambry Variant Classification Scheme 2023. Collection method: clinical testing. Allele origin: germline.

NM_002658.6(PLAU):c.260T>C (p.Met87Thr)

Genes: C10orf55 (chromosome 10 putative open reading frame 55; minus strand), PLAU (plasminogen activator, urokinase; plus strand). Cytogenetic location: 10q22.2.
Variant type: single nucleotide variant.
Coding change: c.260T>C on transcript NM_002658.6 (MANE Select); coding-DNA position 260, T replaced by C.
Protein change: p.Met87Thr; replaces methionine 87 with threonine.
Molecular consequence: missense variant. On other transcripts: non-coding transcript variant (1), initiator codon variant (1).
Genome position (GRCh38, 1-based): chr10:73,912,990, T>C. VCF-style: chr10-73912990-T-C. GRCh37 (hg19) VCF-style: chr10-75672748-T-C.
Other names: c.209T>C, p.Met70Thr (NM_001145031.3); c.2T>C, p.Met1Thr (NM_001319191.2); short protein forms M1T, M70T, M87T.
Identifiers: ClinVar variation 2255298 (VCV002255298.4), dbSNP rs768435349, ClinGen allele CA5562372.